The following is an entry in ClinVar:

ClinVar aggregate classification (germline): Conflicting classifications of pathogenicity. Review status: criteria provided, conflicting classifications (1 of 4 stars). 3 submissions from 3 submitters: Uncertain significance (1); Likely benign (2). Last evaluated 2026-04-30.

Conditions:
GUCA1B-related condition.

Allele frequency attached by ClinVar (database versions not stated): gnomAD exomes 0.00004 and 0.00011; ExAC 0.00014; gnomAD 0.00035 and 0.00039; 1000 Genomes Project 0.00040; TOPMed 0.00043; 1000 Genomes Project 30x 0.00062; ESP Exome Variant Server 0.00062.
gnomAD v4.1: 113 of 1,614,048 alleles (0.007%); highest among the groups gnomAD compares: African/African-American, 0.13%; no homozygotes.

Submissions (3):

PreventionGenetics, part of Exact Sciences
Classification: Likely benign for GUCA1B-related condition. Last evaluated: 2026-04-30. Review status: criteria provided, single submitter. Criteria: ACMG Guidelines, 2015. Collection method: clinical testing. Allele origin: germline.
Comment: This variant is classified as likely benign based on ACMG/AMP sequence variant interpretation guidelines (Richards et al. 2015 PMID: 25741868, with internal and published modifications).

Labcorp Genetics (formerly Invitae), Labcorp
Classification: Likely benign. Last evaluated: 2025-10-24. Review status: criteria provided, single submitter. Criteria: Invitae Variant Classification Sherloc (09022015). Collection method: clinical testing. Allele origin: germline.

Eurofins Ntd Llc (ga)
Classification: Uncertain significance. Last evaluated: 2016-10-06. Review status: criteria provided, single submitter. Criteria: EGL Classification Definitions 2015. Collection method: clinical testing. Allele origin: germline. Observed: 1 variant allele, 1 heterozygote.

NM_002098.6(GUCA1B):c.476-3C>T

Gene: GUCA1B (guanylate cyclase activator 1B; minus strand). Cytogenetic location: 6p21.1.
Variant type: single nucleotide variant.
Coding change: c.476-3C>T on transcript NM_002098.6 (MANE Select); 3 bases into the intron before coding-DNA position 476, C replaced by T.
Molecular consequence: intron variant.
Genome position (GRCh38, 1-based): chr6:42,184,945, G>A on the plus strand (C>T on the coding strand, the complement: GUCA1B is on the minus strand). VCF-style: chr6-42184945-G-A. GRCh37 (hg19) VCF-style: chr6-42152683-G-A.
Identifiers: ClinVar variation 497464 (VCV000497464.15), dbSNP rs200457582, ClinGen allele CA3805516.